The following is an entry in ClinVar:

ClinVar aggregate classification (germline): Uncertain significance (1 of 4 stars; one submission).

Submission:

GeneDx
Classification: Uncertain significance. Last evaluated: 2026-04-24. Review status: criteria provided, single submitter. Criteria: GeneDx Variant Classification Process June 2021. Collection method: clinical testing. Allele origin: germline.
Comment: Not observed at significant frequency in large population cohorts (gnomAD); In silico analysis supports that this missense variant has a deleterious effect on protein structure/function; Has not been previously published as pathogenic or benign to our knowledge

NM_000807.4(GABRA2):c.344A>G (p.Asn115Ser)

Gene: GABRA2 (gamma-aminobutyric acid type A receptor subunit alpha2; minus strand). Cytogenetic location: 4p12.
Variant type: single nucleotide variant.
Coding change: c.344A>G on transcript NM_000807.4 (MANE Select); coding-DNA position 344, A replaced by G.
Protein change: p.Asn115Ser; replaces asparagine 115 with serine.
Molecular consequence: missense variant.
Genome position (GRCh38, 1-based): chr4:46,312,628, T>C on the plus strand (A>G on the coding strand, the complement: GABRA2 is on the minus strand). VCF-style: chr4-46312628-T-C. GRCh37 (hg19) VCF-style: chr4-46314645-T-C.
Other names: c.344A>G, p.Asn115Ser (NM_001114175.3, NM_001330690.2, NM_001377144.1 and 8 more transcripts); c.179A>G, p.Asn60Ser (NM_001286827.3, NM_001377152.1, NM_001377153.1 and 1 more transcripts); short protein forms N115S, N60S.
Identifiers: ClinVar variation 5037640 (VCV005037640.1).